The following is an entry in ClinVar:

NM_152627.3(CDC14C):c.16C>T (p.Leu6=)

Gene: CDC14C (cell division cycle 14C; plus strand). Cytogenetic location: 7p12.3.
Variant type: single nucleotide variant.
Coding change: c.16C>T on transcript NM_152627.3 (MANE Select); coding-DNA position 16, C replaced by T.
Protein change: p.Leu6=; no amino-acid change (leucine 6 retained).
Molecular consequence: synonymous variant.
Genome position (GRCh38, 1-based): chr7:48,924,688, C>T. VCF-style: chr7-48924688-C-T. GRCh37 (hg19) VCF-style: chr7-48964284-C-T.
Identifiers: ClinVar variation 2657496 (VCV002657496.24), dbSNP rs191352971, ClinGen allele CA4260082.

ClinVar aggregate classification (germline): Likely benign (1 of 4 stars; one submission).

Allele frequency attached by ClinVar (database versions not stated): 1000 Genomes Project 0.00080; 1000 Genomes Project 30x 0.00094; gnomAD 0.00103; ExAC 0.00105; gnomAD exomes 0.00132; TOPMed 0.00140.

Submission:

CeGaT Center for Human Genetics Tuebingen
Classification: Likely benign. Last evaluated: 2022-08-01. Review status: criteria provided, single submitter. Criteria: CeGaT Center For Human Genetics Tuebingen Variant Classification Criteria Version 2. Collection method: clinical testing. Allele origin: germline. Affected: yes. Observed: 2 variant alleles.
Comment: CDC14C: BP4, BP7